The following is an entry in ClinVar:

NM_000038.6(APC):c.5539A>G (p.Thr1847Ala)

Gene: APC (APC regulator of Wnt signaling pathway; plus strand). Cytogenetic location: 5q22.2.
Variant type: single nucleotide variant.
Coding change: c.5539A>G on transcript NM_000038.6 (MANE Select); coding-DNA position 5539, A replaced by G.
Protein change: p.Thr1847Ala; replaces threonine 1847 with alanine.
Molecular consequence: missense variant.
Genome position (GRCh38, 1-based): chr5:112,841,133, A>G. VCF-style: chr5-112841133-A-G. GRCh37 (hg19) VCF-style: chr5-112176830-A-G.
Other names: c.5539A>G, p.Thr1847Ala (NM_001127510.3, NM_001354895.2); c.5485A>G, p.Thr1829Ala (NM_001127511.3); c.5593A>G, p.Thr1865Ala (NM_001354896.2); c.5569A>G, p.Thr1857Ala (NM_001354897.2); c.5464A>G, p.Thr1822Ala (NM_001354898.2); c.5455A>G, p.Thr1819Ala (NM_001354899.2); c.5416A>G, p.Thr1806Ala (NM_001354900.2); c.5362A>G, p.Thr1788Ala (NM_001354901.2); and 5 more; short protein forms T1829A, T1847A, T1721A, T1806A, T1564A, T1788A, T1822A, T1687A.
Identifiers: ClinVar variation 233212 (VCV000233212.7), dbSNP rs876660264, ClinGen allele CA10578406.

ClinVar aggregate classification (germline): Uncertain significance. Review status: criteria provided, multiple submitters, no conflicts (2 of 4 stars). 2 submissions from 2 submitters: Uncertain significance (2). Last evaluated 2024-12-16.

Conditions:
Familial adenomatous polyposis 1 (FAP1). Also called: FAMILIAL ADENOMATOUS POLYPOSIS 1, ATTENUATED; POLYPOSIS, ADENOMATOUS INTESTINAL. Identifiers: MedGen C2713442, MONDO:0021056, OMIM 175100. Disease mechanism: loss of function.
Hereditary cancer-predisposing syndrome. Also called: Neoplastic Syndromes, Hereditary; Tumor predisposition; Hereditary Cancer Syndrome; Hereditary neoplastic syndrome. Identifiers: Orphanet 140162, MedGen C0027672, MeSH D009386, MONDO:0015356.

Submissions (2):

Labcorp Genetics (formerly Invitae), Labcorp
Classification: Uncertain significance for Familial adenomatous polyposis 1. Last evaluated: 2024-12-16. Review status: criteria provided, single submitter. Criteria: Invitae Variant Classification Sherloc (09022015). Collection method: clinical testing. Allele origin: germline.
Comment: This sequence change replaces threonine, which is neutral and polar, with alanine, which is neutral and non-polar, at codon 1847 of the APC protein (p.Thr1847Ala). This variant is not present in population databases (gnomAD no frequency). This variant has not been reported in the literature in individuals affected with APC-related conditions. ClinVar contains an entry for this variant (Variation ID: 233212). Invitae Evidence Modeling of protein sequence and biophysical properties (such as structural, functional, and spatial information, amino acid conservation, physicochemical variation, residue mobility, and thermodynamic stability) indicates that this missense variant is not expected to disrupt APC protein function with a negative predictive value of 95%. In summary, the available evidence is currently insufficient to determine the role of this variant in disease. Therefore, it has been classified as a Variant of Uncertain Significance.

Ambry Genetics
Classification: Uncertain significance for Hereditary cancer-predisposing syndrome. Last evaluated: 2015-08-04. Review status: criteria provided, single submitter. Criteria: Ambry Variant Classification Scheme 2023. Collection method: clinical testing. Allele origin: germline.
Comment: The p.T1847A variant (also known as c.5539A>G), located in coding exon 15 of the APC gene, results from an A to G substitution at nucleotide position 5539. The threonine at codon 1847 is replaced by alanine, an amino acid with similar properties. This variant was not reported in population based cohorts in the following databases: Database of Single Nucleotide Polymorphisms (dbSNP), NHLBI Exome Sequencing Project (ESP), and 1000 Genomes Project. In the ESP, this variant was not observed in 6502 samples (13004 alleles) with coverage at this position. To date, this alteration has been detected with an allele frequency of approximately 0.003% (greater than 32000 alleles tested) in our clinical cohort. This amino acid position is highly conserved in available vertebrate species. In addition, in silico predictors for this gene do not accurately predict pathogenicity. Since supporting evidence is limited at this time, the clinical significance of p.T1847A remains unclear.